The following is an entry in ClinVar:

ClinVar aggregate classification (germline): Likely benign. Review status: criteria provided, multiple submitters, no conflicts (2 of 4 stars). 4 submissions from 4 submitters: Likely benign (3). 1 of the submissions does not count toward it. Last evaluated 2024-10-02.

Conditions:
Reticular dysgenesis. Also called: ALEUKOCYTOSIS; CONGENITAL ALEUKIA; HEMATOPOIETIC HYPOPLASIA, GENERALIZED; RETICULAR DYSGENESIA; SEVERE COMBINED IMMUNODEFICIENCY WITH LEUKOPENIA; DeVaal disease. Identifiers: Orphanet 33355, MedGen C0272167, MONDO:0009973, OMIM 267500.
AK2-related disorder. Also called: AK2-related condition.

Allele frequency attached by ClinVar (database versions not stated): ExAC 0.00001; gnomAD 0.00004 and 0.00005; gnomAD exomes 0.00004; TOPMed 0.00004.

Submissions (4):

Blueprint Genetics
Classification: Likely benign. Last evaluated: 2024-10-02. Review status: criteria provided, single submitter. Criteria: ACMG Guidelines, 2015. Collection method: clinical testing. Allele origin: germline.

Labcorp Genetics (formerly Invitae), Labcorp
Classification: Likely benign for Reticular dysgenesis. Last evaluated: 2023-11-27. Review status: criteria provided, single submitter. Criteria: Invitae Variant Classification Sherloc (09022015). Collection method: clinical testing. Allele origin: germline.

Fulgent Genetics
Classification: Likely benign for Reticular dysgenesis. Last evaluated: 2022-04-11. Review status: criteria provided, single submitter. Criteria: ACMG Guidelines, 2015. Collection method: clinical testing. Allele origin: unknown.

PreventionGenetics, part of Exact Sciences
Classification: Likely benign for AK2-related condition. Last evaluated: 2020-05-29. Review status: no assertion criteria provided. Collection method: clinical testing. Allele origin: germline. Not counted in ClinVar's aggregate classification.
Comment: This variant is classified as likely benign based on ACMG/AMP sequence variant interpretation guidelines (Richards et al. 2015 PMID: 25741868, with internal and published modifications).

NM_001625.4(AK2):c.615G>C (p.Gly205=)

Gene: AK2 (adenylate kinase 2; minus strand). Cytogenetic location: 1p35.1.
Variant type: single nucleotide variant.
Coding change: c.615G>C on transcript NM_001625.4 (MANE Select); coding-DNA position 615, G replaced by C.
Protein change: p.Gly205=; no amino-acid change (glycine 205 retained).
Molecular consequence: synonymous variant. On other transcripts: 3 prime UTR variant (1), non-coding transcript variant (1).
Genome position (GRCh38, 1-based): chr1:33,013,286, C>G on the plus strand (G>C on the coding strand, the complement: AK2 is on the minus strand). VCF-style: chr1-33013286-C-G. GRCh37 (hg19) VCF-style: chr1-33478887-C-G.
Other names: c.591G>C, p.Gly197= (NM_001199199.3); c.471G>C, p.Gly157= (NM_001319139.3, NM_001319140.2); c.615G>C, p.Gly205= (NM_001319141.3, NM_013411.5); c.489G>C, p.Gly163= (NM_001319142.3); c.*118G>C (NM_001319143.2).
Identifiers: ClinVar variation 728081 (VCV000728081.13), dbSNP rs769651837, ClinGen allele CA747055.